The following is an entry in ClinVar:

NM_000094.4(COL7A1):c.3985G>C (p.Gly1329Arg)

Gene: COL7A1 (collagen type VII alpha 1 chain; minus strand). Cytogenetic location: 3p21.31.
Variant type: single nucleotide variant.
Coding change: c.3985G>C on transcript NM_000094.4 (MANE Select); coding-DNA position 3985, G replaced by C.
Protein change: p.Gly1329Arg; replaces glycine 1329 with arginine.
Molecular consequence: missense variant.
Genome position (GRCh38, 1-based): chr3:48,584,936, C>G on the plus strand (G>C on the coding strand, the complement: COL7A1 is on the minus strand). VCF-style: chr3-48584936-C-G. GRCh37 (hg19) VCF-style: chr3-48622369-C-G.
Other names: short protein forms G1329R.
Identifiers: ClinVar variation 3896552 (VCV003896552.5).

ClinVar aggregate classification (germline): Uncertain significance. Review status: criteria provided, multiple submitters, no conflicts (2 of 4 stars). 2 submissions from 2 submitters: Uncertain significance (2). Last evaluated 2026-01-15.

Conditions:
Recessive dystrophic epidermolysis bullosa (RDEB). Also called: epidermolysis bullosa dystrophica, autosomal recessive; DYSTROPHIC EPIDERMOLYSIS BULLOSA, AUTOSOMAL RECESSIVE; EPIDERMOLYSIS BULLOSA DYSTROPHICA, HALLOPEAU-SIEMENS TYPE; severe generalized recessive dystrophic epidermolysis bullosa; EPIDERMOLYSIS BULLOSA DYSTROPHICA, GENERALIZED SEVERE, AUTOSOMAL RECESSIVE; Hallopeau-Siemens Disease. Identifiers: Orphanet 79408, Orphanet 79409, MedGen C0079474, MONDO:0009179, OMIM 226600.

gnomAD v4.1: 1 of 1,613,916 alleles (0.000062%); highest among the groups gnomAD compares: South Asian, 0.0011%; no homozygotes.

Submissions (2):

Women's Health and Genetics/Laboratory Corporation of America, LabCorp
Classification: Uncertain significance. Last evaluated: 2026-01-15. Review status: criteria provided, single submitter. Criteria: LabCorp Variant Classification Summary - May 2015. Collection method: clinical testing. Allele origin: germline.
Comment: Variant summary: COL7A1 c.3985G>C (p.Gly1329Arg) results in a non-conservative amino acid change in the encoded protein sequence. This variant disrupts the triple helix domain of COL7A1. Glycine residues within the Gly-Xaa-Yaa repeats of the triple helix domain are required for the structure and stability of fibrillar collagens (PMID: 7695699, 8218237, 19344236). Algorithms developed to predict the effect of missense changes on protein structure and function all suggest that this variant is likely to be disruptive. The variant was absent in 250520 control chromosomes. c.3985G>C has been observed in the presumed heterozygous state in at least 1 individual(s) affected with clinical features of Dystrophic Epidermolysis Bullosa, Dominant (Gupta_2023). These data do not allow any conclusion about variant significance. To our knowledge, no experimental evidence demonstrating an impact on protein function has been reported. The following publication has been ascertained in the context of this evaluation (PMID: 37556444). ClinVar contains an entry for this variant (Variation ID: 3896552). Based on the evidence outlined above, the variant was classified as VUS-possibly pathogenic.

Myriad Genetics, Inc.
Classification: Uncertain significance for Recessive dystrophic epidermolysis bullosa. Last evaluated: 2025-09-29. Review status: criteria provided, single submitter. Criteria: Myriad Autosomal Dominant, Autosomal Recessive and X-Linked Classification Criteria (2023). Collection method: clinical testing. Allele origin: unknown.
Comment: NM_000094.3(COL7A1):c.3985G>C(G1329R) is a missense variant classified as a variant of uncertain significance in the context of dystrophic epidermolysis bullosa. G1329R has been observed in a case with relevant disease (PMID: 37556444). Relevant functional assessments of this variant are not available in the literature. G1329R has not been observed in referenced population frequency databases. In summary, there is insufficient evidence to classify NM_000094.3(COL7A1):c.3985G>C(G1329R) as pathogenic or benign. Please note: this variant was assessed in the context of healthy population screening.

Literature cited by the submitters: PubMed 37556444 (cited by Women's Health and Genetics/Laboratory Corporation of America, LabCorp and Myriad Genetics, Inc.).